The following is an entry in ClinVar:

ClinVar aggregate classification (germline): Uncertain significance (1 of 4 stars; one submission).

Allele frequency attached by ClinVar (database versions not stated): gnomAD 0.00001; gnomAD exomes 0.00001.
gnomAD v4.1: 7 of 1,556,340 alleles (0.00045%); highest among the groups gnomAD compares: Admixed American, 0.0019%; no homozygotes.

Submission:

Labcorp Genetics (formerly Invitae), Labcorp
Classification: Uncertain significance. Last evaluated: 2025-02-17. Review status: criteria provided, single submitter. Criteria: Invitae Variant Classification Sherloc (09022015). Collection method: clinical testing. Allele origin: germline.
Comment: This sequence change falls in intron 7 of the RCBTB1 gene. It does not directly change the encoded amino acid sequence of the RCBTB1 protein. It affects a nucleotide within the consensus splice site. The frequency data for this variant in the population databases is considered unreliable, as metrics indicate poor data quality at this position in the gnomAD database. This variant has not been reported in the literature in individuals affected with RCBTB1-related conditions. ClinVar contains an entry for this variant (Variation ID: 1347198). Variants that disrupt the consensus splice site are a relatively common cause of aberrant splicing (PMID: 17576681, 9536098). Algorithms developed to predict the effect of sequence changes on RNA splicing suggest that this variant is not likely to affect RNA splicing. In summary, the available evidence is currently insufficient to determine the role of this variant in disease. Therefore, it has been classified as a Variant of Uncertain Significance.

Literature cited by the submitters: PubMed 17576681; PubMed 9536098.

NM_018191.4(RCBTB1):c.711+5G>A

Gene: RCBTB1 (RCC1 and BTB domain containing protein 1; minus strand). Cytogenetic location: 13q14.2.
Variant type: single nucleotide variant.
Coding change: c.711+5G>A on transcript NM_018191.4 (MANE Select); 5 bases into the intron after coding-DNA position 711, G replaced by A.
Molecular consequence: intron variant.
Genome position (GRCh38, 1-based): chr13:49,552,173, C>T on the plus strand (G>A on the coding strand, the complement: RCBTB1 is on the minus strand). VCF-style: chr13-49552173-C-T. GRCh37 (hg19) VCF-style: chr13-50126309-C-T.
Other names: c.711+5G>A (NM_001352501.2, NM_001352502.2, NM_001352503.2 and 3 more transcripts); c.132+5G>A (NM_001352506.2).
Identifiers: ClinVar variation 1347198 (VCV001347198.4), dbSNP rs780573370, ClinGen allele CA6982800.